The following is an entry in ClinVar:

ClinVar aggregate classification (germline): Likely pathogenic (1 of 4 stars; one submission).

Conditions:
Ehlers-Danlos syndrome due to tenascin-X deficiency (EDSCLL1). Also called: Ehlers-Danlos syndrome, classic-like, 1; EHLERS-DANLOS SYNDROME, CLASSIC-LIKE; TNXB-Related Classical-Like Ehlers-Danlos Syndrome; EDS DUE TO TNX DEFICIENCY; TNX DEFICIENCY. Identifiers: Orphanet 230839, MedGen C1848029, MONDO:0011670, OMIM 606408.

Submission:

Dasa
Classification: Likely pathogenic for Ehlers-Danlos syndrome due to tenascin-X deficiency. Last evaluated: 2026-02-05. Review status: criteria provided, single submitter. Criteria: DASA Assertion Criteria. Collection method: clinical testing. Allele origin: germline.
Comment: NM_001365276.2(TNXB):c.11584_11600del (p.Val3862Profs*9) is a frameshift variant in TNXB predicted to alter the reading frame and introduce a premature termination codon and is predicted to result in an absent or altered protein product. Loss of function is an established disease mechanism for TNXB-associated disorders. Also, this variant is absent from population databases. Based on the currently available evidence, this variant is classified as likely pathogenic.

NM_001365276.2(TNXB):c.11584_11600del (p.Val3862fs)

Genes: TNXB (tenascin XB; minus strand), LOC106780803 (tenascin XB recombination region; plus strand). Cytogenetic location: 6p21.33.
Variant type: Deletion.
Coding change: c.11584_11600del on transcript NM_001365276.2 (MANE Select); coding-DNA positions 11584 to 11600, 17 bases deleted (GTGCTGCACTGGAAGCC).
Protein change: p.Val3862fs; shifts the reading frame from valine 3862.
Molecular consequence: frameshift variant.
Genome position (GRCh38, 1-based): chr6:32,043,487-32,043,503, GGCTTCCAGTGCAGCAC deleted on the plus strand (GTGCTGCACTGGAAGCC on the coding strand, the reverse complement: TNXB is on the minus strand); deleting any 17 consecutive bases within chr6:32,043,487-32,043,506 gives the same sequence; the c. name uses the placement nearest the transcript's 3' end. VCF-style (leftmost placement, unchanged base first): chr6-32043486-GGGCTTCCAGTGCAGCAC-G. GRCh37 (hg19) VCF-style: chr6-32011263-GGGCTTCCAGTGCAGCAC-G.
Other names: c.12325_12341del, p.Val4109fs (NM_001428335.1); c.11578_11594del, p.Val3860fs (NM_019105.8); c.871_887del, p.Val291fs (NM_032470.4); short protein forms V291fs, V3860fs, V3862fs, V4109fs.
Identifiers: ClinVar variation 4880808 (VCV004880808.2).